The following is an entry in ClinVar:

ClinVar aggregate classification (germline): Likely pathogenic (1 of 4 stars; one submission).

Conditions:
Kabuki syndrome 1 (KABUK1). Also called: KMT2D-Related Kabuki Syndrome. Identifiers: Orphanet 2322, MedGen CN030661, MONDO:0007843, OMIM 147920.

Submission:

3billion
Classification: Likely pathogenic for Kabuki syndrome 1. Last evaluated: 2022-09-01. Review status: criteria provided, single submitter. Criteria: ACMG Guidelines, 2015. Collection method: clinical testing. Allele origin: germline. Affected: yes. Observed: 1 heterozygote.
Comment: The variant is not observed in the gnomAD v2.1.1 dataset. Canonical splice site is predicted to alter splicing and result in a loss or disruption of normal protein function. Multiple pathogenic loss-of-function variants are reported downstream of the variant. Therefore, this variant is classified as Likely pathogenic according to the recommendation of ACMG/AMP guideline.

NM_003482.4(KMT2D):c.4419-2A>C

Gene: KMT2D (lysine methyltransferase 2D; minus strand). Cytogenetic location: 12q13.12.
Variant type: single nucleotide variant.
Coding change: c.4419-2A>C on transcript NM_003482.4 (MANE Select); the canonical splice acceptor site of the intron before coding-DNA position 4419, A replaced by C.
Molecular consequence: splice acceptor variant.
Genome position (GRCh38, 1-based): chr12:49,046,426, T>G on the plus strand (A>C on the coding strand, the complement: KMT2D is on the minus strand). VCF-style: chr12-49046426-T-G. GRCh37 (hg19) VCF-style: chr12-49440209-T-G.
Identifiers: ClinVar variation 1705542 (VCV001705542.1), dbSNP rs2120606259, ClinGen allele CA384646310.